The following is an entry in ClinVar:

NM_015278.5(SASH1):c.428-10_428-4del

Gene: SASH1 (SAM and SH3 domain containing 1; plus strand). Cytogenetic location: 6q24.3.
Variant type: Deletion.
Coding change: c.428-10_428-4del on transcript NM_015278.5 (MANE Select); 10 bases into the intron before coding-DNA position 428 through 4 bases into the intron before coding-DNA position 428, 7 bases deleted (TTTTTTT; older notation c.428-10_428-4delTTTTTTT).
Molecular consequence: intron variant.
Genome position (GRCh38, 1-based): chr6:148,471,407-148,471,413, TTTTTTT deleted; deleting any 7 consecutive bases within chr6:148,471,387-148,471,413 gives the same sequence; the c. name uses the placement nearest the transcript's 3' end. VCF-style (leftmost placement, unchanged base first): chr6-148471386-CTTTTTTT-C. GRCh37 (hg19) VCF-style: chr6-148792522-CTTTTTTT-C.
Other names: c.293-10_293-4del (NM_001346505.2); c.56-10_56-4del (NM_001346506.2).
Identifiers: ClinVar variation 3044141 (VCV003044141.2), dbSNP rs35487674, ClinGen allele CA820540963.
Genomic context (GRCh38, chr6:148,471,386, plus strand): 5'-ATTACAAGGAAGAGGCTACTTTTGTTATTAATGATGAATTTATTGCTTGTGCTTTTTGTT[CTTTTTTT>C]TTTTTTTTTTTTTTTTTTTTAAGGAAAAGGAGACTGGAAGAAGAAAAATAAGTATTTCTG-3'

ClinVar aggregate classification (germline): Likely benign (0 of 4 stars; one submission).

Conditions:
SASH1-related disorder. Also called: SASH1-related condition.

Submission:

PreventionGenetics, part of Exact Sciences
Classification: Likely benign for SASH1-related condition. Last evaluated: 2019-10-28. Review status: no assertion criteria provided. Collection method: clinical testing. Allele origin: germline.
Comment: This variant is classified as likely benign based on ACMG/AMP sequence variant interpretation guidelines (Richards et al. 2015 PMID: 25741868, with internal and published modifications).